The following is an entry in ClinVar:

NM_001083961.2(WDR62):c.142C>T (p.Leu48Phe)

Gene: WDR62 (WD repeat domain 62; plus strand). Cytogenetic location: 19q13.12.
Variant type: single nucleotide variant.
Coding change: c.142C>T on transcript NM_001083961.2 (MANE Select); coding-DNA position 142, C replaced by T.
Protein change: p.Leu48Phe; replaces leucine 48 with phenylalanine.
Molecular consequence: missense variant.
Genome position (GRCh38, 1-based): chr19:36,055,113, C>T. VCF-style: chr19-36055113-C-T. GRCh37 (hg19) VCF-style: chr19-36546015-C-T.
Other names: c.142C>T, p.Leu48Phe (NM_173636.5); short protein forms L48F.
Identifiers: ClinVar variation 93535 (VCV000093535.54), dbSNP rs62109744, ClinGen allele CA147039.

ClinVar aggregate classification (germline): Benign/Likely benign. Review status: criteria provided, multiple submitters, no conflicts (2 of 4 stars). 14 submissions from 14 submitters: Benign (10); Likely benign (2). 2 of the submissions do not count toward it. Last evaluated 2026-01-26.

Conditions:
Microcephaly 2, primary, autosomal recessive, with or without cortical malformations. Also called: MICROCEPHALY 2, PRIMARY, AUTOSOMAL RECESSIVE, WITH CORTICAL MALFORMATIONS; WDR62 Primary Microcephaly. Identifiers: Orphanet 2512, MedGen C1858535, MONDO:0011435, OMIM 604317.

Allele frequency attached by ClinVar (database versions not stated): 1000 Genomes Project 0.00180; ESP Exome Variant Server 0.00803; ExAC 0.00982; gnomAD exomes 0.00715; TOPMed 0.00789; gnomAD 0.00795; 1000 Genomes Project 30x 0.00203.
gnomAD v4.1: 20,840 of 1,607,278 alleles (1.3%); highest among the groups gnomAD compares: Non-Finnish European, 1.6%; 153 homozygotes.

Submissions (14):

Labcorp Genetics (formerly Invitae), Labcorp
Classification: Benign. Last evaluated: 2026-01-26. Review status: criteria provided, single submitter. Criteria: Invitae Variant Classification Sherloc (09022015). Collection method: clinical testing. Allele origin: germline.

CeGaT Center for Human Genetics Tuebingen
Classification: Benign. Last evaluated: 2024-07-01. Review status: criteria provided, single submitter. Criteria: CeGaT Center For Human Genetics Tuebingen Variant Classification Criteria Version 2. Collection method: clinical testing. Allele origin: germline. Affected: yes. Observed: 20 variant alleles.
Comment: WDR62: BP4, BS1, BS2

Athena Diagnostics
Classification: Benign. Last evaluated: 2024-05-07. Review status: criteria provided, single submitter. Criteria: Athena Diagnostics Criteria. Collection method: clinical testing. Allele origin: unknown.

Genome-Nilou Lab
Classification: Benign for Microcephaly 2, primary, autosomal recessive, with or without cortical malformations. Last evaluated: 2021-12-05. Review status: criteria provided, single submitter. Criteria: ACMG Guidelines, 2015. Collection method: clinical testing. Allele origin: germline. Affected: no.

Mayo Clinic Laboratories, Mayo Clinic
Classification: Benign. Last evaluated: 2019-02-20. Review status: criteria provided, single submitter. Criteria: ACMG Guidelines, 2015. Collection method: clinical testing. Allele origin: germline. Observed: 8 variant alleles.

Illumina Laboratory Services, Illumina
Classification: Benign for Microcephaly 2, primary, autosomal recessive, with or without cortical malformations. Last evaluated: 2018-01-13. Review status: criteria provided, single submitter. Criteria: ICSL Variant Classification Criteria 13 December 2019. Collection method: clinical testing. Allele origin: germline.
Comment: This variant was observed in the ICSL laboratory as part of a predisposition screen in an ostensibly healthy population. It had not been previously curated by ICSL or reported in the Human Gene Mutation Database (HGMD: prior to June 1st, 2018), and was therefore a candidate for classification through an automated scoring system. Utilizing variant allele frequency, disease prevalence and penetrance estimates, and inheritance mode, an automated score was calculated to assess if this variant is too frequent to cause the disease. Based on the score and internal cut-off values, a variant classified as benign is not then subjected to further curation. The score for this variant resulted in a classification of benign for this disease.

GeneDx
Classification: Benign. Last evaluated: 2016-06-23. Review status: criteria provided, single submitter. Criteria: GeneDx Variant Classification (06012015). Collection method: clinical testing. Allele origin: germline. Affected: yes.
Comment: This variant is considered likely benign or benign based on one or more of the following criteria: it is a conservative change, it occurs at a poorly conserved position in the protein, it is predicted to be benign by multiple in silico algorithms, and/or has population frequency not consistent with disease.

Center for Pediatric Genomic Medicine, Children's Mercy Hospital and Clinics
Classification: Benign. Last evaluated: 2016-01-11. Review status: criteria provided, single submitter. Criteria: ACMG Guidelines, 2015. Collection method: clinical testing. Allele origin: germline.

Clinical Genetics DNA and cytogenetics Diagnostics Lab, Erasmus MC, Erasmus Medical Center
Classification: Likely benign for Microcephaly 2, primary, autosomal recessive, with or without cortical malformations. Last evaluated: 2015-09-21. Review status: criteria provided, single submitter. Criteria: ACGS Guidelines, 2013. Collection method: clinical testing. Allele origin: germline. Affected: yes. Study: VKGL Data-share Consensus.

Eurofins Ntd Llc (ga)
Classification: Benign. Last evaluated: 2013-08-09. Review status: criteria provided, single submitter. Criteria: EGL Classification Definitions 2015. Collection method: clinical testing. Allele origin: germline. Observed: 4 variant alleles, 4 heterozygotes.

Genetic Services Laboratory, University of Chicago
Classification: Benign. Last evaluated: 2013-02-08. Review status: criteria provided, single submitter. Criteria: ACMG Guidelines, 2007. Collection method: clinical testing. Allele origin: germline. Inheritance: Autosomal recessive inheritance.

Breakthrough Genomics
Classification: Likely benign. Review status: criteria provided, single submitter. Criteria: ACMG Guidelines, 2015. Collection method: not provided. Allele origin: germline. Inheritance: Autosomal recessive inheritance. Affected: yes.

Diagnostic Laboratory, Department of Genetics, University Medical Center Groningen
Classification: Benign for Microcephaly 2, primary, autosomal recessive, with or without cortical malformations. Review status: no assertion criteria provided. Collection method: clinical testing. Allele origin: germline. Affected: yes. Study: VKGL Data-share Consensus. Not counted in ClinVar's aggregate classification.

Laboratory of Diagnostic Genome Analysis, Leiden University Medical Center (LUMC)
Classification: Likely benign. Review status: no assertion criteria provided. Collection method: clinical testing. Allele origin: germline. Affected: yes. Study: VKGL Data-share Consensus. Not counted in ClinVar's aggregate classification.